The following is an entry in ClinVar:

ClinVar aggregate classification (germline): Uncertain significance. Review status: criteria provided, multiple submitters, no conflicts (2 of 4 stars). 3 submissions from 3 submitters: Uncertain significance (3). Last evaluated 2024-05-15.

Conditions:
Developmental and epileptic encephalopathy, 18 (DEE18). Also called: Early infantile epileptic encephalopathy 18. Identifiers: Orphanet 369894, MedGen C3809624, MONDO:0014201, OMIM 615476.
Inborn genetic diseases. Identifiers: MedGen C0950123, MeSH D030342.

Allele frequency attached by ClinVar (database versions not stated): gnomAD exomes below 0.00001.
gnomAD v4.1: 1 of 1,598,290 alleles (0.000063%); highest among the groups gnomAD compares: Non-Finnish European, 0.000085%; no homozygotes.

Submissions (3):

Labcorp Genetics (formerly Invitae), Labcorp
Classification: Uncertain significance. Last evaluated: 2024-05-15. Review status: criteria provided, single submitter. Criteria: Invitae Variant Classification Sherloc (09022015). Collection method: clinical testing. Allele origin: germline.
Comment: This sequence change replaces serine, which is neutral and polar, with glycine, which is neutral and non-polar, at codon 353 of the SZT2 protein (p.Ser353Gly). This variant is not present in population databases (gnomAD no frequency). This variant has not been reported in the literature in individuals affected with SZT2-related conditions. ClinVar contains an entry for this variant (Variation ID: 1778871). Advanced modeling of protein sequence and biophysical properties (such as structural, functional, and spatial information, amino acid conservation, physicochemical variation, residue mobility, and thermodynamic stability) performed at Invitae indicates that this missense variant is not expected to disrupt SZT2 protein function with a negative predictive value of 80%. In summary, the available evidence is currently insufficient to determine the role of this variant in disease. Therefore, it has been classified as a Variant of Uncertain Significance.

Genome-Nilou Lab
Classification: Uncertain significance for Developmental and epileptic encephalopathy, 18. Last evaluated: 2023-04-11. Review status: criteria provided, single submitter. Criteria: ACMG Guidelines, 2015. Collection method: clinical testing. Allele origin: germline. Affected: no.

Ambry Genetics
Classification: Uncertain significance for Inborn genetic diseases. Last evaluated: 2017-07-21. Review status: criteria provided, single submitter. Criteria: Ambry Variant Classification Scheme 2023. Collection method: clinical testing. Allele origin: germline.
Comment: The p.S353G variant (also known as c.1057A>G), located in coding exon 8 of the SZT2 gene, results from an A to G substitution at nucleotide position 1057. The serine at codon 353 is replaced by glycine, an amino acid with similar properties. This amino acid position is not well conserved in available vertebrate species. In addition, this alteration is predicted to be tolerated by in silico analysis. Since supporting evidence is limited at this time, the clinical significance of this alteration remains unclear.

NM_001365999.1(SZT2):c.1057A>G (p.Ser353Gly)

Gene: SZT2 (SZT2 subunit of KICSTOR complex; plus strand). Cytogenetic location: 1p34.2.
Variant type: single nucleotide variant.
Coding change: c.1057A>G on transcript NM_001365999.1 (MANE Select); coding-DNA position 1057, A replaced by G.
Protein change: p.Ser353Gly; replaces serine 353 with glycine.
Molecular consequence: missense variant.
Genome position (GRCh38, 1-based): chr1:43,419,911, A>G. VCF-style: chr1-43419911-A-G. GRCh37 (hg19) VCF-style: chr1-43885582-A-G.
Other names: c.1057A>G, p.Ser353Gly (NM_015284.4); short protein forms S353G.
Identifiers: ClinVar variation 1778871 (VCV001778871.8), dbSNP rs2545800557, ClinGen allele CA340006271.